The following is an entry in ClinVar:

ClinVar aggregate classification (germline): Uncertain significance (1 of 4 stars; one submission).

Allele frequency attached by ClinVar (database versions not stated): gnomAD exomes below 0.00001.
gnomAD v4.1: 2 of 1,613,780 alleles (0.00012%); highest among the groups gnomAD compares: Non-Finnish European, 0.00017%; no homozygotes.

Submission:

Labcorp Genetics (formerly Invitae), Labcorp
Classification: Uncertain significance. Last evaluated: 2021-07-24. Review status: criteria provided, single submitter. Criteria: Invitae Variant Classification Sherloc (09022015). Collection method: clinical testing. Allele origin: germline.
Comment: This sequence change replaces methionine with arginine at codon 379 of the MAK protein (p.Met379Arg). The methionine residue is weakly conserved and there is a moderate physicochemical difference between methionine and arginine. This variant is not present in population databases (ExAC no frequency). This variant has not been reported in the literature in individuals affected with MAK-related conditions. Experimental studies and prediction algorithms are not available or were not evaluated, and the functional significance of this variant is currently unknown. In summary, the available evidence is currently insufficient to determine the role of this variant in disease. Therefore, it has been classified as a Variant of Uncertain Significance.

NM_001242957.3(MAK):c.1136T>G (p.Met379Arg)

Gene: MAK (male germ cell associated kinase; minus strand). Cytogenetic location: 6p24.2.
Variant type: single nucleotide variant.
Coding change: c.1136T>G on transcript NM_001242957.3 (MANE Select); coding-DNA position 1136, T replaced by G.
Protein change: p.Met379Arg; replaces methionine 379 with arginine.
Molecular consequence: missense variant. On other transcripts: non-coding transcript variant (2).
Genome position (GRCh38, 1-based): chr6:10,796,005, A>C on the plus strand (T>G on the coding strand, the complement: MAK is on the minus strand). VCF-style: chr6-10796005-A-C. GRCh37 (hg19) VCF-style: chr6-10796238-A-C.
Other names: c.1136T>G, p.Met379Arg (NM_001242385.2, NM_005906.6); c.1034T>G, p.Met345Arg (NM_001377262.1); short protein forms M379R, M345R.
Identifiers: ClinVar variation 1369511 (VCV001369511.6), dbSNP rs2127548077, ClinGen allele CA362718976.
Genomic context (GRCh38, chr6:10,796,005, plus strand): 5'-TTAATTGCACGAGTCAAACTATTTCATTGCAAGTGTCATGACTGGCTACTCACAGTTGGC[A>C]TGTTTTTGACGATGCTCGGGAATAGCGTTTGTGGCGGTTTCTCCTGACTCTGTTGCTTTG-3'
Protein context (NP_001229886.1, residues 369-389): QTLFPSIVKN[Met379Arg]PTKPNGTLSH